The following is an entry in ClinVar:

ClinVar aggregate classification (germline): Uncertain significance (1 of 4 stars; one submission).

Conditions:
Baller-Gerold syndrome (BGS). Also called: CRANIOSYNOSTOSIS WITH RADIAL DEFECTS. Identifiers: Orphanet 1225, MedGen C0265308, MONDO:0009039, OMIM 218600.

Submission:

Labcorp Genetics (formerly Invitae), Labcorp
Classification: Uncertain significance for Baller-Gerold syndrome. Last evaluated: 2021-07-15. Review status: criteria provided, single submitter. Criteria: Invitae Variant Classification Sherloc (09022015). Collection method: clinical testing. Allele origin: germline.
Comment: This variant is not present in population databases (ExAC no frequency). In summary, the available evidence is currently insufficient to determine the role of this variant in disease. Therefore, it has been classified as a Variant of Uncertain Significance. Experimental studies and prediction algorithms are not available or were not evaluated, and the functional significance of this variant is currently unknown. This variant has not been reported in the literature in individuals affected with RECQL4-related conditions. This sequence change replaces serine with proline at codon 732 of the RECQL4 protein (p.Ser732Pro). The serine residue is weakly conserved and there is a moderate physicochemical difference between serine and proline.

NM_004260.4(RECQL4):c.2194T>C (p.Ser732Pro)

Gene: RECQL4 (RecQ like helicase 4; minus strand). Cytogenetic location: 8q24.3.
Variant type: single nucleotide variant.
Coding change: c.2194T>C on transcript NM_004260.4 (MANE Select); coding-DNA position 2194, T replaced by C.
Protein change: p.Ser732Pro; replaces serine 732 with proline.
Molecular consequence: missense variant.
Genome position (GRCh38, 1-based): chr8:144,513,577, A>G on the plus strand (T>C on the coding strand, the complement: RECQL4 is on the minus strand). VCF-style: chr8-144513577-A-G. GRCh37 (hg19) VCF-style: chr8-145738961-A-G.
Other names: short protein forms S732P.
Identifiers: ClinVar variation 1367692 (VCV001367692.6), dbSNP rs2130682486, ClinGen allele CA372679574.
Genomic context (GRCh38, chr8:144,513,577, plus strand): 5'-ACCATGTGTGCCCAAGGTGGGTCCACGGGGACACCAGCTCTGTCCATGCCGCACCTCCAG[A>G]CCCTGGGACCCAGGCTGCGTGCAGGCAGGTTCGGAGGAGCGCAGCGATCCGCTCTGTGTC-3'
Protein context (NP_004251.4, residues 722-742): TCLHAAWVPG[Ser732Pro]GGRAPKTTAE